The following is an entry in ClinVar:

NM_000051.4(ATM):c.3377A>C (p.Lys1126Thr)

Gene: ATM (ATM serine/threonine kinase; plus strand). Cytogenetic location: 11q22.3.
Variant type: single nucleotide variant.
Coding change: c.3377A>C on transcript NM_000051.4 (MANE Select); coding-DNA position 3377, A replaced by C.
Protein change: p.Lys1126Thr; replaces lysine 1126 with threonine.
Molecular consequence: missense variant.
Genome position (GRCh38, 1-based): chr11:108,279,583, A>C. VCF-style: chr11-108279583-A-C. GRCh37 (hg19) VCF-style: chr11-108150310-A-C.
Other names: c.3377A>C, p.Lys1126Thr (NM_001351834.2); short protein forms K1126T.
Identifiers: ClinVar variation 3452412 (VCV003452412.1).

ClinVar aggregate classification (germline): Uncertain significance (1 of 4 stars; one submission).

Conditions:
Hereditary cancer-predisposing syndrome. Also called: Tumor predisposition; Neoplastic Syndromes, Hereditary; Hereditary neoplastic syndrome; Hereditary Cancer Syndrome. Identifiers: Orphanet 140162, MedGen C0027672, MeSH D009386, MONDO:0015356.

Submission:

Ambry Genetics
Classification: Uncertain significance for Hereditary cancer-predisposing syndrome. Last evaluated: 2024-11-03. Review status: criteria provided, single submitter. Criteria: Ambry Variant Classification Scheme 2023. Collection method: clinical testing. Allele origin: germline.
Comment: The p.K1126T variant (also known as c.3377A>C), located in coding exon 22 of the ATM gene, results from an A to C substitution at nucleotide position 3377. The lysine at codon 1126 is replaced by threonine, an amino acid with similar properties. This amino acid position is conserved. In addition, this alteration is predicted to be tolerated by in silico analysis. Based on the available evidence, the clinical significance of this variant remains unclear.